The following is an entry in ClinVar:

ClinVar aggregate classification (germline): Conflicting classifications of pathogenicity. Review status: criteria provided, conflicting classifications (1 of 4 stars). 3 submissions from 3 submitters: Uncertain significance (2); Benign (1). Last evaluated 2025-10-28.

Conditions:
Fanconi anemia complementation group O. Also called: RAD51C-Related Fanconi Anemia. Identifiers: Orphanet 84, MedGen C3150653, MONDO:0013248, OMIM 613390.
Hereditary cancer-predisposing syndrome. Also called: Tumor predisposition; Hereditary neoplastic syndrome; Neoplastic Syndromes, Hereditary; Hereditary Cancer Syndrome. Identifiers: Orphanet 140162, MedGen C0027672, MeSH D009386, MONDO:0015356.

Allele frequency attached by ClinVar (database versions not stated): gnomAD exomes below 0.00001.
gnomAD v4.1: 1 of 1,609,120 alleles (0.000062%); highest among the groups gnomAD compares: Non-Finnish European, 0.000085%; no homozygotes.

Submissions (3):

Ambry Genetics
Classification: Benign for Hereditary cancer-predisposing syndrome. Last evaluated: 2025-10-28. Review status: criteria provided, single submitter. Criteria: Ambry Variant Classification Scheme 2023. Collection method: clinical testing. Allele origin: germline.

Labcorp Genetics (formerly Invitae), Labcorp
Classification: Uncertain significance for Fanconi anemia complementation group O. Last evaluated: 2025-02-24. Review status: criteria provided, single submitter. Criteria: Invitae Variant Classification Sherloc (09022015). Collection method: clinical testing. Allele origin: germline.
Comment: This sequence change replaces glycine, which is neutral and non-polar, with serine, which is neutral and polar, at codon 243 of the RAD51C protein (p.Gly243Ser). This variant is not present in population databases (gnomAD no frequency). This missense change has been observed in individual(s) with breast cancer (PMID: 27616075). ClinVar contains an entry for this variant (Variation ID: 940024). Invitae Evidence Modeling of protein sequence and biophysical properties (such as structural, functional, and spatial information, amino acid conservation, physicochemical variation, residue mobility, and thermodynamic stability) indicates that this missense variant is not expected to disrupt RAD51C protein function with a negative predictive value of 80%. In summary, the available evidence is currently insufficient to determine the role of this variant in disease. Therefore, it has been classified as a Variant of Uncertain Significance.

Color Diagnostics, LLC DBA Color Health
Classification: Uncertain significance for Hereditary cancer-predisposing syndrome. Last evaluated: 2021-08-31. Review status: criteria provided, single submitter. Criteria: ACMG Guidelines, 2015. Collection method: clinical testing. Allele origin: germline.
Comment: This missense variant replaces glycine with serine at codon 243 of the RAD51C protein. Computational prediction suggests that this variant may not impact protein structure and function (internally defined REVEL score threshold <= 0.5, PMID: 27666373). To our knowledge, functional studies have not been reported for this variant. This variant has been reported in an individual affected with breast cancer (PMID: 27616075). This variant has not been identified in the general population by the Genome Aggregation Database (gnomAD). The available evidence is insufficient to determine the role of this variant in disease conclusively. Therefore, this variant is classified as a Variant of Uncertain Significance.

Literature cited by the submitters: PubMed 27616075 (cited by 3 submitters).

NM_058216.3(RAD51C):c.727G>A (p.Gly243Ser)

Gene: RAD51C (RAD51 paralog C; plus strand). Cytogenetic location: 17q22.
Variant type: single nucleotide variant.
Coding change: c.727G>A on transcript NM_058216.3 (MANE Select); coding-DNA position 727, G replaced by A.
Protein change: p.Gly243Ser; replaces glycine 243 with serine.
Molecular consequence: missense variant. On other transcripts: non-coding transcript variant (1).
Genome position (GRCh38, 1-based): chr17:58,709,880, G>A. VCF-style: chr17-58709880-G-A. GRCh37 (hg19) VCF-style: chr17-56787241-G-A.
Other names: short protein forms G243S.
Identifiers: ClinVar variation 940024 (VCV000940024.14), dbSNP rs2048494596, ClinGen allele CA400353307.